The following is an entry in ClinVar:

ClinVar aggregate classification (germline): Pathogenic (1 of 4 stars; one submission).

Conditions:
Hereditary breast ovarian cancer syndrome. Also called: BRCA1- and BRCA2-Associated Hereditary Breast and Ovarian Cancer; Hereditary breast and/or ovarian cancer syndrome; Hereditary breast and ovarian cancer; Hereditary breast and ovarian cancer syndrome (HBOC); Breast and ovarian cancer; Hereditary breast and ovarian cancer syndrome. Identifiers: Orphanet 145, MedGen C0677776, MeSH D061325, MONDO:0003582. Disease mechanism: loss of function.

Submission:

Women's Health and Genetics/Laboratory Corporation of America, LabCorp
Classification: Pathogenic for Hereditary breast ovarian cancer syndrome. Last evaluated: 2024-10-14. Review status: criteria provided, single submitter. Criteria: LabCorp Variant Classification Summary - May 2015. Collection method: clinical testing. Allele origin: germline.
Comment: Variant summary: The variant involves the deletion of exons 22-24 in the BRCA2 gene. This Copy Number Variant (CNV) is expected to alter the reading frame and predicted to result in a truncation or absence of the encoded protein due to nonsense mediated decay (NMD). A presumed nomenclature of c.(8754+1_8755-1)_(9256+1_9257-1)del has been designated for the purposes of this classification. The variant was absent in 21688 control chromosomes. c.(8754+1_8755-1)_(9256+1_9257-1)del has been reported in the literature in individuals affected with Hereditary Breast And Ovarian Cancer Syndrome (example: Ruiz de Garibay_2012). The following publication has been ascertained in the context of this evaluation (PMID: 22434521). ClinVar contains an entry for this variant (Variation ID: 462167). Based on the evidence outlined above, the variant was classified as pathogenic.

Literature cited by the submitters: PubMed 22434521.

NC_000013.10:g.(32950929_32953453)_(32954283_32968825)del

Gene: BRCA2 (BRCA2 DNA repair associated; plus strand). Cytogenetic location: 13q13.1.
Variant type: Deletion.
Identifiers: ClinVar variation 3384696 (VCV003384696.1).